The following is an entry in ClinVar:

NM_001909.5(CTSD):c.898C>T (p.Leu300Phe)

Gene: CTSD (cathepsin D; minus strand). Cytogenetic location: 11p15.5.
Variant type: single nucleotide variant.
Coding change: c.898C>T on transcript NM_001909.5 (MANE Select); coding-DNA position 898, C replaced by T.
Protein change: p.Leu300Phe; replaces leucine 300 with phenylalanine.
Molecular consequence: missense variant.
Genome position (GRCh38, 1-based): chr11:1,754,068, G>A on the plus strand (C>T on the coding strand, the complement: CTSD is on the minus strand). VCF-style: chr11-1754068-G-A. GRCh37 (hg19) VCF-style: chr11-1775298-G-A.
Other names: short protein forms L300F.
Identifiers: ClinVar variation 966329 (VCV000966329.10), dbSNP rs1256954867, ClinGen allele CA379093922.

ClinVar aggregate classification (germline): Uncertain significance (1 of 4 stars; one submission).

Conditions:
Neuronal ceroid lipofuscinosis. Also called: Neuronal Ceroid Lipofuscinoses. Identifiers: Orphanet 216, Orphanet 79263, MedGen C0027877, MONDO:0016295. Disease mechanism: loss of function.

Allele frequency attached by ClinVar (database versions not stated): gnomAD exomes below 0.00001; gnomAD 0.00001; TOPMed 0.00001.
gnomAD v4.1: 3 of 1,611,578 alleles (0.00019%); highest among the groups gnomAD compares: South Asian, 0.0011%; no homozygotes.

Submission:

Labcorp Genetics (formerly Invitae), Labcorp
Classification: Uncertain significance for Neuronal ceroid lipofuscinosis. Last evaluated: 2022-01-31. Review status: criteria provided, single submitter. Criteria: Invitae Variant Classification Sherloc (09022015). Collection method: clinical testing. Allele origin: germline.
Comment: In summary, the available evidence is currently insufficient to determine the role of this variant in disease. Therefore, it has been classified as a Variant of Uncertain Significance. Algorithms developed to predict the effect of missense changes on protein structure and function are either unavailable or do not agree on the potential impact of this missense change (SIFT: "Deleterious"; PolyPhen-2: "Probably Damaging"; Align-GVGD: "Class C15"). ClinVar contains an entry for this variant (Variation ID: 966329). This variant has not been reported in the literature in individuals affected with CTSD-related conditions. This variant is not present in population databases (gnomAD no frequency). This sequence change replaces leucine, which is neutral and non-polar, with phenylalanine, which is neutral and non-polar, at codon 300 of the CTSD protein (p.Leu300Phe).